The following is an entry in ClinVar:

ClinVar aggregate classification (germline): Uncertain significance (1 of 4 stars; one submission).

Submission:

Labcorp Genetics (formerly Invitae), Labcorp
Classification: Uncertain significance. Last evaluated: 2022-11-01. Review status: criteria provided, single submitter. Criteria: Invitae Variant Classification Sherloc (09022015). Collection method: clinical testing. Allele origin: germline.
Comment: In summary, the available evidence is currently insufficient to determine the role of this variant in disease. Therefore, it has been classified as a Variant of Uncertain Significance. Algorithms developed to predict the effect of missense changes on protein structure and function (SIFT, PolyPhen-2, Align-GVGD) all suggest that this variant is likely to be tolerated. ClinVar contains an entry for this variant (Variation ID: 1044871). This variant has not been reported in the literature in individuals affected with PDE6C-related conditions. This variant is not present in population databases (gnomAD no frequency). This sequence change replaces lysine, which is basic and polar, with asparagine, which is neutral and polar, at codon 132 of the PDE6C protein (p.Lys132Asn).

NM_006204.4(PDE6C):c.396A>C (p.Lys132Asn)

Gene: PDE6C (phosphodiesterase 6C; plus strand). Cytogenetic location: 10q23.33.
Variant type: single nucleotide variant.
Coding change: c.396A>C on transcript NM_006204.4 (MANE Select); coding-DNA position 396, A replaced by C.
Protein change: p.Lys132Asn; replaces lysine 132 with asparagine.
Molecular consequence: missense variant.
Genome position (GRCh38, 1-based): chr10:93,613,121, A>C. VCF-style: chr10-93613121-A-C. GRCh37 (hg19) VCF-style: chr10-95372878-A-C.
Other names: short protein forms K132N.
Identifiers: ClinVar variation 1044871 (VCV001044871.8), dbSNP rs1223504572, ClinGen allele CA377622757.
Genomic context (GRCh38, chr10:93,613,121, plus strand): 5'-TAGGTTGCTGGATGTCACCCCCACCTCCAAGTTTGAGGACAACCTGGTGGGCCCTGACAA[A>C]GAAGTTGTGTTTCCATTGGACATTGGGATAGTGGGTTGGGCTGCTCACACGAAGAAAACT-3'
Protein context (NP_006195.3, residues 122-142): KFEDNLVGPD[Lys132Asn]EVVFPLDIGI